The following is an entry in ClinVar:

NM_175914.5(HNF4A):c.470AGA[1] (p.Lys158del)

Gene: HNF4A (hepatocyte nuclear factor 4 alpha; plus strand). Cytogenetic location: 20q13.12.
Variant type: Microsatellite.
Coding change: c.470AGA[1] on transcript NM_175914.5 (MANE Select); one copy of the 3-base unit AGA starting at c.470; the reference has two copies in a row; one copy, 3 bases deleted; also written c.473_475del.
Protein change: p.Lys158del; deletes lysine 158.
Molecular consequence: inframe deletion.
Genome position (GRCh38, 1-based): chr20:44,414,553-44,414,555, AGA deleted; deleting any 3 consecutive bases within chr20:44,414,548-44,414,555 gives the same sequence; the position shown is the placement nearest the transcript's 3' end. VCF-style (leftmost placement, unchanged base first): chr20-44414547-CGAA-C. GRCh37 (hg19) VCF-style: chr20-43043187-CGAA-C.
Other names: NM_175914.5:c.473_475del; c.473_475del (NM_175914.4); c.536AGA[1], p.Lys180del (NM_000457.6, NM_178849.3, NM_178850.3); c.470AGA[1], p.Lys158del (NM_001030003.3, NM_001030004.3); c.515AGA[1], p.Lys173del (NM_001258355.2); c.461AGA[1], p.Lys155del (NM_001287182.2, NM_001287183.2, NM_001287184.2); short protein forms K155del, K158del, K180del, K173del.
Identifiers: ClinVar variation 435437 (VCV000435437.9), dbSNP rs1280663753, ClinGen allele CA645373276.

ClinVar aggregate classification (germline): Uncertain significance. Review status: reviewed by expert panel (3 of 4 stars). 4 submissions from 4 submitters: Uncertain significance (1). 3 of the submissions do not count toward it. Last evaluated 2024-05-09.

Conditions:
Maturity-onset diabetes of the young type 1. Also called: MODY type 1; Diabetes mellitus MODY type 1; MODY HNF4A related; HNF4A-Related Maturity-Onset Diabetes of the Young Type 1; MILD JUVENILE DIABETES MELLITUS; MODY, type I. Identifiers: Orphanet 552, MedGen C1852093, MONDO:0007452, OMIM 125850. Disease mechanism: loss of function.
Monogenic diabetes. Identifiers: Orphanet 183625, MedGen C3888631, MONDO:0015967.
Maturity-onset diabetes of the young (MODY). Also called: Maturity onset diabetes mellitus in young. Identifiers: Orphanet 552, MedGen C0342276, MONDO:0018911, HP:0004904.

Submissions (4):

ClinGen Monogenic Diabetes Variant Curation Expert Panel
Classification: Uncertain significance for Monogenic diabetes. Last evaluated: 2024-05-09. Review status: reviewed by expert panel. Criteria: ClinGen Diabetes ACMG Specifications HNF4A V2.0.0. Collection method: curation. Allele origin: germline. Inheritance: Autosomal dominant inheritance.
Comment: The c.473_475del variant in the hepatocyte nuclear factor 4-alpha gene, HNF4A, is a three base pair deletion resulting in the in-frame deletion of one amino acid at codon 158 (p.(Lys158del)) within exon 5 of NM_174914.5. The c.473_475del variant is predicted to change the length of the protein due to an in-frame deletion of a single amino acid in a nonrepeat region (PM4_Supporting). Additionally, this variant is absent in gnomAD v2.1.1 (PM2_Supporting). In summary, c.473_475del meets the criteria to be classified as a variant of uncertain significance for monogenic diabetes. ACMG/AMP criteria applied, as specified by the ClinGen MDEP (specification version 2.0.0, approved 10/11/2023): PM2_Supporting, PM4_Supporting.

Women's Health and Genetics/Laboratory Corporation of America, LabCorp
Classification: Likely pathogenic for Maturity-onset diabetes of the young. Last evaluated: 2022-03-19. Review status: criteria provided, single submitter. Criteria: LabCorp Variant Classification Summary - May 2015. Collection method: clinical testing. Allele origin: germline. Not counted in ClinVar's aggregate classification.
Comment: Variant summary: HNF4A c.473_475delAGA (p.Lys158del) results in an in-frame deletion that is predicted to remove one amino acid from the encoded protein. The variant was absent in 251470 control chromosomes. To our knowledge, no experimental evidence demonstrating an impact on protein function has been reported. One clinical diagnostic laboratory has submitted clinical-significance assessments for this variant to ClinVar after 2014 without evidence for independent evaluation and classified the variant as likely pathogenic. Based on the evidence outlined above, the variant was classified as likely pathogenic.

Genetic Services Laboratory, University of Chicago
Classification: Likely pathogenic for MODY, type I. Last evaluated: 2017-01-11. Review status: criteria provided, single submitter. Criteria: ACMG Guidelines, 2015. Collection method: clinical testing. Allele origin: germline. Affected: yes. Not counted in ClinVar's aggregate classification.

Clinical Genomics, Uppaluri K&H Personalized Medicine Clinic
Classification: Uncertain risk allele for Maturity-onset diabetes of the young. Review status: criteria provided, single submitter. Criteria: K & H Uppaluri Personalized Medicine Clinic Variant Classification & Assertion Criteria_Updated V.1. Collection method: research. Allele origin: unknown. Inheritance: Autosomal dominant inheritance. Not counted in ClinVar's aggregate classification.
Comment: Potent mutations in HNF4A are associated with poor insulin secretion in response to hyperglycemia. Associated with MODY1. Patients initially respond well to sulfonylureas but eventually become insulin dependent. However, more evidence is required to ascertain the role of this particular variant rs1280663753 in MODY, yet.

Literature cited by the submitters: PubMed 30447144 (cited by Women's Health and Genetics/Laboratory Corporation of America, LabCorp); PubMed 18268044 (cited by Clinical Genomics, Uppaluri K&H Personalized Medicine Clinic); PubMed 17563455 (cited by Clinical Genomics, Uppaluri K&H Personalized Medicine Clinic); PubMed 32583173 (cited by Clinical Genomics, Uppaluri K&H Personalized Medicine Clinic); PubMed 35052457 (cited by Clinical Genomics, Uppaluri K&H Personalized Medicine Clinic); PubMed 35118593 (cited by Clinical Genomics, Uppaluri K&H Personalized Medicine Clinic); DOI 10.1159/000334532 (cited by Clinical Genomics, Uppaluri K&H Personalized Medicine Clinic).